The following is an entry in ClinVar:

ClinVar aggregate classification (germline): Benign. Review status: criteria provided, multiple submitters, no conflicts (2 of 4 stars). 3 submissions from 2 submitters: Benign (3). Last evaluated 2018-01-12.

Conditions:
Nephronophthisis 12 (NPHP12). Identifiers: Orphanet 655, MedGen C3151186, MONDO:0013442, OMIM 613820.
Asphyxiating thoracic dystrophy 4 (SRTD4). Also called: SHORT-RIB THORACIC DYSPLASIA 4 WITH OR WITHOUT POLYDACTYLY; SHORT-RIB THORACIC DYSPLASIA 4. Identifiers: Orphanet 474, MedGen C3151185, MONDO:0013441, OMIM 613819.

Allele frequency attached by ClinVar (database versions not stated): 1000 Genomes Project 30x 0.18410; 1000 Genomes Project 0.18590; TOPMed 0.23283; gnomAD 0.23631 and 0.23735.

Submissions (3):

Illumina Laboratory Services, Illumina
Classification: Benign for Nephronophthisis 12. Last evaluated: 2018-01-12. Review status: criteria provided, single submitter. Criteria: ICSL Variant Classification Criteria 13 December 2019. Collection method: clinical testing. Allele origin: germline.
Comment: This variant was observed in the ICSL laboratory as part of a predisposition screen in an ostensibly healthy population. It had not been previously curated by ICSL or reported in the Human Gene Mutation Database (HGMD: prior to June 1st, 2018), and was therefore a candidate for classification through an automated scoring system. Utilizing variant allele frequency, disease prevalence and penetrance estimates, and inheritance mode, an automated score was calculated to assess if this variant is too frequent to cause the disease. Based on the score and internal cut-off values, a variant classified as benign is not then subjected to further curation. The score for this variant resulted in a classification of benign for this disease.

Illumina Laboratory Services, Illumina
Classification: Benign for Asphyxiating thoracic dystrophy 4. Last evaluated: 2018-01-12. Review status: criteria provided, single submitter. Criteria: ICSL Variant Classification Criteria 13 December 2019. Collection method: clinical testing. Allele origin: germline.
Comment: the same text as in the submission from Illumina Laboratory Services, Illumina above.

Breakthrough Genomics
Classification: Benign. Review status: criteria provided, single submitter. Criteria: ACMG Guidelines, 2015. Collection method: not provided. Allele origin: germline. Inheritance: Autosomal recessive inheritance. Affected: yes.

NM_024753.5(TTC21B):c.*1105G>T

Gene: TTC21B (tetratricopeptide repeat domain 21B; minus strand). Cytogenetic location: 2q24.3.
Variant type: single nucleotide variant.
Coding change: c.*1105G>T on transcript NM_024753.5 (MANE Select); 1105 bases downstream of the stop codon, G replaced by T.
Molecular consequence: 3 prime UTR variant.
Genome position (GRCh38, 1-based): chr2:165,873,650, C>A on the plus strand (G>T on the coding strand, the complement: TTC21B is on the minus strand). VCF-style: chr2-165873650-C-A. GRCh37 (hg19) VCF-style: chr2-166730160-C-A.
Identifiers: ClinVar variation 331798 (VCV000331798.6), dbSNP rs6756388, ClinGen allele CA10611145.